The following is an entry in ClinVar:

NM_024011.4(CDK11A):c.170G>C (p.Cys57Ser)

Gene: CDK11A (cyclin dependent kinase 11A; minus strand). Cytogenetic location: 1p36.33.
Variant type: single nucleotide variant.
Coding change: c.170G>C on transcript NM_024011.4 (MANE Select); coding-DNA position 170, G replaced by C.
Protein change: p.Cys57Ser; replaces cysteine 57 with serine.
Molecular consequence: missense variant. On other transcripts: non-coding transcript variant (2).
Genome position (GRCh38, 1-based): chr1:1,721,653, C>G on the plus strand (G>C on the coding strand, the complement: CDK11A is on the minus strand). VCF-style: chr1-1721653-C-G. GRCh37 (hg19) VCF-style: chr1-1653092-C-G.
Other names: c.170G>C, p.Cys57Ser (NM_001313896.2, NM_001313982.2, NM_033529.4); short protein forms C57S.
Identifiers: ClinVar variation 4651304 (VCV004651304.1).

ClinVar aggregate classification (germline): Uncertain significance (1 of 4 stars; one submission).

gnomAD v4.1: 3 of 1,603,584 alleles (0.00019%); highest among the groups gnomAD compares: East Asian, 0.0067%; no homozygotes.

Submission:

Ambry Genetics
Classification: Uncertain significance. Last evaluated: 2025-10-29. Review status: criteria provided, single submitter. Criteria: Ambry Variant Classification Scheme 2023. Collection method: clinical testing. Allele origin: germline.
Comment: The c.170G>C (p.C57S) alteration is located in exon 3 (coding exon 2) of the CDK11A gene. This alteration results from a G to C substitution at nucleotide position 170, causing the cysteine (C) at amino acid position 57 to be replaced by a serine (S). Based on data from gnomAD, the C allele has an overall frequency of 0.001% (2/245962) total alleles studied. The highest observed frequency was 0.011% (2/17948) of East Asian alleles. Based on insufficient or conflicting evidence, the clinical significance of this alteration remains unclear.